The following is an entry in ClinVar:

ClinVar aggregate classification (germline): Uncertain significance (1 of 4 stars; one submission).

Conditions:
Progressive familial heart block type IB (PFHB1B). Identifiers: Orphanet 871, MedGen C1970298, MONDO:0011474, OMIM 604559.

Submission:

Labcorp Genetics (formerly Invitae), Labcorp
Classification: Uncertain significance for Progressive familial heart block type IB. Last evaluated: 2024-12-16. Review status: criteria provided, single submitter. Criteria: Invitae Variant Classification Sherloc (09022015). Collection method: clinical testing. Allele origin: germline.
Comment: This sequence change replaces proline, which is neutral and non-polar, with histidine, which is basic and polar, at codon 190 of the TRPM4 protein (p.Pro190His). This variant is not present in population databases (gnomAD no frequency). This variant has not been reported in the literature in individuals affected with TRPM4-related conditions. An algorithm developed to predict the effect of missense changes on protein structure and function (PolyPhen-2) suggests that this variant is likely to be disruptive. In summary, the available evidence is currently insufficient to determine the role of this variant in disease. Therefore, it has been classified as a Variant of Uncertain Significance.

NM_017636.4(TRPM4):c.569C>A (p.Pro190His)

Gene: TRPM4 (transient receptor potential cation channel subfamily M member 4; plus strand). Cytogenetic location: 19q13.33.
Variant type: single nucleotide variant.
Coding change: c.569C>A on transcript NM_017636.4 (MANE Select); coding-DNA position 569, C replaced by A.
Protein change: p.Pro190His; replaces proline 190 with histidine.
Molecular consequence: missense variant. On other transcripts: 5 prime UTR variant (1), intron variant (2).
Genome position (GRCh38, 1-based): chr19:49,168,380, C>A. VCF-style: chr19-49168380-C-A. GRCh37 (hg19) VCF-style: chr19-49671637-C-A.
Other names: c.569C>A, p.Pro190His (NM_001195227.2); c.-985C>A (NM_001321282.2); c.47C>A, p.Pro16His (NM_001321283.2); c.268-173C>A (NM_001321281.2); c.-237-173C>A (NM_001321285.2); short protein forms P190H, P16H.
Identifiers: ClinVar variation 3646338 (VCV003646338.2).